The following is an entry in ClinVar:

ClinVar aggregate classification (germline): Conflicting classifications of pathogenicity. Review status: criteria provided, conflicting classifications (1 of 4 stars). 5 submissions from 5 submitters: Uncertain significance (1); Likely benign (4). Last evaluated 2026-09-01.

Conditions:
Brugada syndrome 5 (BRGDA5). Identifiers: Orphanet 130, Orphanet 871, MedGen C2748541, MONDO:0013015, OMIM 612838.

Allele frequency attached by ClinVar (database versions not stated): gnomAD 0.00001; gnomAD exomes 0.00002 and 0.00004; TOPMed 0.00002; ExAC 0.00004.
gnomAD v4.1: 13 of 1,613,956 alleles (0.00081%); highest among the groups gnomAD compares: Admixed American, 0.018%; no homozygotes.

Submissions (5):

CeGaT Center for Human Genetics Tuebingen
Classification: Likely benign. Last evaluated: 2026-09-01. Review status: criteria provided, single submitter. Criteria: CeGaT Center For Human Genetics Tuebingen Variant Classification Criteria Version 2. Collection method: clinical testing. Allele origin: germline. Affected: yes. Observed: 1 variant allele.
Comment: SCN1B: BP4, BP7

Labcorp Genetics (formerly Invitae), Labcorp
Classification: Likely benign for Brugada syndrome 5. Last evaluated: 2025-07-30. Review status: criteria provided, single submitter. Criteria: Invitae Variant Classification Sherloc (09022015). Collection method: clinical testing. Allele origin: germline.

Women's Health and Genetics/Laboratory Corporation of America, LabCorp
Classification: Likely benign. Last evaluated: 2024-09-04. Review status: criteria provided, single submitter. Criteria: LabCorp Variant Classification Summary - May 2015. Collection method: clinical testing. Allele origin: germline.

GeneDx
Classification: Likely benign. Last evaluated: 2017-01-23. Review status: criteria provided, single submitter. Criteria: GeneDx Variant Classification (06012015). Collection method: clinical testing. Allele origin: germline. Affected: yes.
Comment: This variant is considered likely benign or benign based on one or more of the following criteria: it is a conservative change, it occurs at a poorly conserved position in the protein, it is predicted to be benign by multiple in silico algorithms, and/or has population frequency not consistent with disease.

Eurofins Ntd Llc (ga)
Classification: Uncertain significance. Last evaluated: 2015-08-20. Review status: criteria provided, single submitter. Criteria: EGL Classification Definitions 2015. Collection method: clinical testing. Allele origin: germline. Observed: 1 variant allele, 1 heterozygote.

NM_001037.5(SCN1B):c.273G>A (p.Val91=)

Gene: SCN1B (sodium voltage-gated channel beta subunit 1; plus strand). Cytogenetic location: 19q13.11.
Variant type: single nucleotide variant.
Coding change: c.273G>A on transcript NM_001037.5 (MANE Select); coding-DNA position 273, G replaced by A.
Protein change: p.Val91=; no amino-acid change (valine 91 retained).
Molecular consequence: synonymous variant.
Genome position (GRCh38, 1-based): chr19:35,033,564, G>A. VCF-style: chr19-35033564-G-A. GRCh37 (hg19) VCF-style: chr19-35524468-G-A.
Other names: c.174G>A, p.Val58= (NM_001321605.2); c.273G>A, p.Val91= (NM_199037.5).
Identifiers: ClinVar variation 282734 (VCV000282734.16), dbSNP rs16969926, ClinGen allele CA9372000.
Genomic context (GRCh38, chr19:35,033,564, plus strand): 5'-GCGCTATGAGAATGAGGTGTTGCAGCTGGAGGAGGATGAGCGCTTCGAGGGCCGCGTGGT[G>A]TGGAATGGCAGCCGGGGCACCAAAGACCTGCAGGATCTGTCTATCTTCATCACCAATGTC-3'
Protein context (NP_001028.1, residues 81-101): EEDERFEGRV[Val91=]WNGSRGTKDL